The following is an entry in ClinVar:

NM_014249.4(NR2E3):c.557T>C (p.Leu186Pro)

Gene: NR2E3 (nuclear receptor subfamily 2 group E member 3; plus strand). Cytogenetic location: 15q23.
Variant type: single nucleotide variant.
Coding change: c.557T>C on transcript NM_014249.4 (MANE Select); coding-DNA position 557, T replaced by C.
Protein change: p.Leu186Pro; replaces leucine 186 with proline.
Molecular consequence: missense variant.
Genome position (GRCh38, 1-based): chr15:71,812,162, T>C. VCF-style: chr15-71812162-T-C. GRCh37 (hg19) VCF-style: chr15-72104502-T-C.
Other names: c.557T>C, p.Leu186Pro (NM_016346.4); short protein forms L186P.
Identifiers: ClinVar variation 2883773 (VCV002883773.3), dbSNP rs1001122113, ClinGen allele CA272575220.

ClinVar aggregate classification (germline): Uncertain significance (1 of 4 stars; one submission).

Allele frequency attached by ClinVar (database versions not stated): gnomAD exomes below 0.00001; gnomAD 0.00001; TOPMed 0.00003.
gnomAD v4.1: 3 of 1,577,254 alleles (0.00019%); highest among the groups gnomAD compares: African/African-American, 0.0027%; no homozygotes.

Submission:

Labcorp Genetics (formerly Invitae), Labcorp
Classification: Uncertain significance. Last evaluated: 2023-09-17. Review status: criteria provided, single submitter. Criteria: Invitae Variant Classification Sherloc (09022015). Collection method: clinical testing. Allele origin: germline.
Comment: In summary, the available evidence is currently insufficient to determine the role of this variant in disease. Therefore, it has been classified as a Variant of Uncertain Significance. Advanced modeling of protein sequence and biophysical properties (such as structural, functional, and spatial information, amino acid conservation, physicochemical variation, residue mobility, and thermodynamic stability) performed at Invitae indicates that this missense variant is not expected to disrupt NR2E3 protein function. This variant has not been reported in the literature in individuals affected with NR2E3-related conditions. This variant is not present in population databases (gnomAD no frequency). This sequence change replaces leucine, which is neutral and non-polar, with proline, which is neutral and non-polar, at codon 186 of the NR2E3 protein (p.Leu186Pro).